The following is an entry in ClinVar:

NM_130839.5(UBE3A):c.1753+32G>A

Genes: SNHG14 (small nucleolar RNA host gene 14; plus strand), UBE3A (ubiquitin protein ligase E3A; minus strand). Cytogenetic location: 15q11.2.
Variant type: single nucleotide variant.
Coding change: c.1753+32G>A on transcript NM_130839.5 (MANE Select); 32 bases into the intron after coding-DNA position 1753, G replaced by A.
Molecular consequence: intron variant.
Genome position (GRCh38, 1-based): chr15:25,360,351, C>T on the plus strand (G>A on the coding strand, the complement: UBE3A is on the minus strand). VCF-style: chr15-25360351-C-T. GRCh37 (hg19) VCF-style: chr15-25605498-C-T.
Other names: c.1576+32G>A (NM_001354546.2); c.442+32G>A (NM_001354551.2); c.1693+32G>A (NM_001354549.2, NM_001354548.2, NM_130838.4 and 17 more transcripts); c.502+32G>A (NM_001354550.2); c.1753+32G>A (NM_001354545.2, NM_001354538.2, NM_001354505.1); c.1762+32G>A (NM_000462.5).
Identifiers: ClinVar variation 156135 (VCV000156135.1), dbSNP rs373746667, ClinGen allele CA333432.

ClinVar aggregate classification (germline): Uncertain significance (0 of 4 stars; one submission).

Conditions:
Angelman syndrome (AS). Also called: HAPPY PUPPET SYNDROME. Identifiers: Orphanet 72, MedGen C0162635, MONDO:0007113, OMIM 105830. Disease mechanism: loss of function. Inheritance: AS is caused by disruption of maternally imprinted UBE3A located within the 15q11.2-q13 Angelman syndrome/Prader-Willi syndrome (AS/PWS) region., imprinting disorder.

Allele frequency attached by ClinVar (database versions not stated): gnomAD 0.00005 and 0.00006; ESP Exome Variant Server 0.00015; TOPMed 0.00018; ExAC 0.00020; gnomAD exomes 0.00022.
gnomAD v4.1: 106 of 1,612,270 alleles (0.0066%); highest among the groups gnomAD compares: East Asian, 0.15%; 1 homozygote.

Submission:

Baylor Genetics
Classification: Uncertain significance for Angelman syndrome. Last evaluated: 2014-02-14. Review status: no assertion criteria provided. Collection method: clinical testing. Allele origin: germline. Affected: yes. Observed: 1 variant allele. Study: UBE3A Mutation Study.
Comment: possible diagnosis of Angelman syndrome

Data collected from clinical UBE3A sequence analysis results

Literature cited by the submitters: PubMed 25212744.